The following is an entry in ClinVar:

ClinVar aggregate classification (germline): Uncertain significance (1 of 4 stars; one submission).

Conditions:
Hereditary spastic paraplegia 63. Also called: Spastic paraplegia 63, autosomal recessive. Identifiers: Orphanet 401805, MedGen C3810295, MONDO:0014305, OMIM 615686.
Pontocerebellar hypoplasia type 9. Identifiers: Orphanet 369920, MedGen C4014354, MONDO:0014351, OMIM 615809.

Submission:

Labcorp Genetics (formerly Invitae), Labcorp
Classification: Uncertain significance for Pontocerebellar hypoplasia type 9; Hereditary spastic paraplegia 63. Last evaluated: 2022-05-11. Review status: criteria provided, single submitter. Criteria: Invitae Variant Classification Sherloc (09022015). Collection method: clinical testing. Allele origin: germline.
Comment: In summary, the available evidence is currently insufficient to determine the role of this variant in disease. Therefore, it has been classified as a Variant of Uncertain Significance. This sequence change replaces arginine, which is basic and polar, with tryptophan, which is neutral and slightly polar, at codon 160 of the AMPD2 protein (p.Arg160Trp). This variant is not present in population databases (gnomAD no frequency). This variant has not been reported in the literature in individuals affected with AMPD2-related conditions. Algorithms developed to predict the effect of missense changes on protein structure and function (SIFT, PolyPhen-2, Align-GVGD) all suggest that this variant is likely to be disruptive.

NM_001368809.2(AMPD2):c.316C>T (p.Arg106Trp)

Gene: AMPD2 (adenosine monophosphate deaminase 2; plus strand). Cytogenetic location: 1p13.3.
Variant type: single nucleotide variant.
Coding change: c.316C>T on transcript NM_001368809.2 (MANE Select); coding-DNA position 316, C replaced by T.
Protein change: p.Arg106Trp; replaces arginine 106 with tryptophan.
Molecular consequence: missense variant.
Genome position (GRCh38, 1-based): chr1:109,625,755, C>T. VCF-style: chr1-109625755-C-T. GRCh37 (hg19) VCF-style: chr1-110168377-C-T.
Other names: c.478C>T, p.Arg160Trp (NM_001257360.2); c.124C>T, p.Arg42Trp (NM_001257361.2); c.253C>T, p.Arg85Trp (NM_001308170.1); c.316C>T, p.Arg106Trp (NM_004037.9); c.235C>T, p.Arg79Trp (NM_139156.4); short protein forms R106W, R160W, R42W, R79W, R85W.
Identifiers: ClinVar variation 1990066 (VCV001990066.4), dbSNP rs201811531, ClinGen allele CA341554475.